The following is an entry in ClinVar:

NM_000448.3(RAG1):c.3089G>T (p.Gly1030Val)

Gene: RAG1 (recombination activating 1; plus strand). Cytogenetic location: 11p12.
Variant type: single nucleotide variant.
Coding change: c.3089G>T on transcript NM_000448.3 (MANE Select); coding-DNA position 3089, G replaced by T.
Protein change: p.Gly1030Val; replaces glycine 1030 with valine.
Molecular consequence: missense variant.
Genome position (GRCh38, 1-based): chr11:36,576,393, G>T. VCF-style: chr11-36576393-G-T. GRCh37 (hg19) VCF-style: chr11-36597943-G-T.
Other names: c.3089G>T, p.Gly1030Val (NM_001377277.1, NM_001377278.1, NM_001377279.1 and 1 more transcripts); short protein forms G1030V.
Identifiers: ClinVar variation 1398525 (VCV001398525.5), dbSNP rs369891733, ClinGen allele CA5950366.

ClinVar aggregate classification (germline): Uncertain significance (1 of 4 stars; one submission).

Conditions:
Severe combined immunodeficiency, autosomal recessive, T cell-negative, B cell-negative, NK cell-positive. Also called: SCID, T CELL-NEGATIVE, B CELL-NEGATIVE, NK CELL-POSITIVE; Severe combined immunodeficiency due to complete RAG1/2 deficiency; SCID, AR, T-cell negative, B-cell negative, NK cell-positive. Identifiers: Orphanet 331206, MedGen C1832322, MONDO:0011086, OMIM 601457.
Combined immunodeficiency with skin granulomas. Identifiers: Orphanet 157949, MedGen C2673536, MONDO:0009306, OMIM 233650.

Allele frequency attached by ClinVar (database versions not stated): gnomAD 0.00005 and 0.00006; TOPMed 0.00005; ESP Exome Variant Server 0.00015.
gnomAD v4.1: 13 of 1,614,026 alleles (0.00081%); highest among the groups gnomAD compares: African/African-American, 0.008%; no homozygotes.

Submission:

Labcorp Genetics (formerly Invitae), Labcorp
Classification: Uncertain significance for Combined immunodeficiency with skin granulomas; Severe combined immunodeficiency, autosomal recessive, T cell-negative, B cell-negative, NK cell-positive. Last evaluated: 2022-03-07. Review status: criteria provided, single submitter. Criteria: Invitae Variant Classification Sherloc (09022015). Collection method: clinical testing. Allele origin: germline.
Comment: This sequence change replaces glycine, which is neutral and non-polar, with valine, which is neutral and non-polar, at codon 1030 of the RAG1 protein (p.Gly1030Val). This variant is present in population databases (rs369891733, gnomAD 0.008%). This variant has not been reported in the literature in individuals affected with RAG1-related conditions. Advanced modeling of protein sequence and biophysical properties (such as structural, functional, and spatial information, amino acid conservation, physicochemical variation, residue mobility, and thermodynamic stability) performed at Invitae indicates that this missense variant is not expected to disrupt RAG1 protein function. In summary, the available evidence is currently insufficient to determine the role of this variant in disease. Therefore, it has been classified as a Variant of Uncertain Significance.